The following is an entry in ClinVar:

NM_003001.5(SDHC):c.184T>C (p.Ser62Pro)

Gene: SDHC (succinate dehydrogenase complex subunit C; plus strand). Cytogenetic location: 1q23.3.
Variant type: single nucleotide variant.
Coding change: c.184T>C on transcript NM_003001.5 (MANE Select); coding-DNA position 184, T replaced by C.
Protein change: p.Ser62Pro; replaces serine 62 with proline.
Molecular consequence: missense variant. On other transcripts: non-coding transcript variant (1).
Genome position (GRCh38, 1-based): chr1:161,340,598, T>C. VCF-style: chr1-161340598-T-C. GRCh37 (hg19) VCF-style: chr1-161310388-T-C.
Other names: c.184T>C, p.Ser62Pro (NM_001035511.3); c.82T>C, p.Ser28Pro (NM_001035512.3, NM_001278172.3, NM_001407118.1); c.25T>C, p.Ser9Pro (NM_001035513.3); c.304T>C, p.Ser102Pro (NM_001407115.1); c.127T>C, p.Ser43Pro (NM_001407116.1, NM_001407117.1, NM_001407121.1); c.73T>C, p.Ser25Pro (NM_001407119.1, NM_001407120.1); short protein forms S102P, S25P, S28P, S43P, S62P, S9P.
Identifiers: ClinVar variation 3754318 (VCV003754318.2).

ClinVar aggregate classification (germline): Uncertain significance (1 of 4 stars; one submission).

Conditions:
Gastrointestinal stromal tumor. Also called: Gastrointestinal stromal tumor, somatic; Gastrointestinal stroma tumor. Identifiers: Orphanet 44890, MedGen C0238198, MeSH D046152, MONDO:0011719, OMIM 606764, HP:0100723.
Pheochromocytoma/paraganglioma syndrome 3. Also called: GLOMUS TUMORS, FAMILIAL, 3; Paragangliomas 3; SDHC-Related Hereditary Paraganglioma-Pheochromocytoma Syndrome (Paragangliomas 3); SDHC-Related Hereditary Paraganglioma-Pheochromocytoma Syndrome. Identifiers: Orphanet 29072, MedGen C1854336, MONDO:0011544, OMIM 605373.

Submission:

Labcorp Genetics (formerly Invitae), Labcorp
Classification: Uncertain significance for Pheochromocytoma/paraganglioma syndrome 3; Gastrointestinal stromal tumor. Last evaluated: 2024-02-01. Review status: criteria provided, single submitter. Criteria: Invitae Variant Classification Sherloc (09022015). Collection method: clinical testing. Allele origin: germline.
Comment: This sequence change replaces serine, which is neutral and polar, with proline, which is neutral and non-polar, at codon 62 of the SDHC protein (p.Ser62Pro). This variant is not present in population databases (gnomAD no frequency). This variant has not been reported in the literature in individuals affected with SDHC-related conditions. Advanced modeling of protein sequence and biophysical properties (such as structural, functional, and spatial information, amino acid conservation, physicochemical variation, residue mobility, and thermodynamic stability) performed at Invitae indicates that this missense variant is expected to disrupt SDHC protein function with a positive predictive value of 80%. In summary, the available evidence is currently insufficient to determine the role of this variant in disease. Therefore, it has been classified as a Variant of Uncertain Significance.